The following is an entry in ClinVar:

ClinVar aggregate classification (germline): Uncertain significance (1 of 4 stars; one submission).

Conditions:
Exostoses, multiple, type 2 (EXT2). Also called: EXOSTOSES, MULTIPLE, TYPE II; Hereditary Multiple Osteochondromatosis, Type II. Identifiers: Orphanet 321, MedGen C1851413, MONDO:0007586, OMIM 133701.

Allele frequency attached by ClinVar (database versions not stated): ExAC 0.00001; gnomAD 0.00001; gnomAD exomes 0.00001; TOPMed 0.00002.

Submission:

Labcorp Genetics (formerly Invitae), Labcorp
Classification: Uncertain significance for Exostoses, multiple, type 2. Last evaluated: 2025-12-28. Review status: criteria provided, single submitter. Criteria: Invitae Variant Classification Sherloc (09022015). Collection method: clinical testing. Allele origin: germline.
Comment: This sequence change replaces isoleucine, which is neutral and non-polar, with valine, which is neutral and non-polar, at codon 459 of the EXT2 protein (p.Ile459Val). This variant is present in population databases (rs779292816, gnomAD 0.003%). This variant has not been reported in the literature in individuals affected with EXT2-related conditions. ClinVar contains an entry for this variant (Variation ID: 1430031). Invitae Evidence Modeling of protein sequence and biophysical properties (such as structural, functional, and spatial information, amino acid conservation, physicochemical variation, residue mobility, and thermodynamic stability) indicates that this missense variant is not expected to disrupt EXT2 protein function with a negative predictive value of 95%. In summary, the available evidence is currently insufficient to determine the role of this variant in disease. Therefore, it has been classified as a Variant of Uncertain Significance.

NM_207122.2(EXT2):c.1375A>G (p.Ile459Val)

Genes: EXT2 (exostosin glycosyltransferase 2; plus strand), LOC126861201 (MED14-independent group 3 enhancer GRCh37_chr11:44218806-44220005; plus strand). Cytogenetic location: 11p11.2.
Variant type: single nucleotide variant.
Coding change: c.1375A>G on transcript NM_207122.2 (MANE Select); coding-DNA position 1375, A replaced by G.
Protein change: p.Ile459Val; replaces isoleucine 459 with valine.
Molecular consequence: missense variant.
Genome position (GRCh38, 1-based): chr11:44,197,898, A>G. VCF-style: chr11-44197898-A-G. GRCh37 (hg19) VCF-style: chr11-44219448-A-G.
Other names: c.1474A>G, p.Ile492Val (NM_000401.3); c.1405A>G, p.Ile469Val (NM_001178083.3); c.1375A>G, p.Ile459Val (NM_001389628.1, NM_001389630.1); short protein forms I459V, I469V, I492V.
Identifiers: ClinVar variation 1430031 (VCV001430031.6), dbSNP rs779292816, ClinGen allele CA5955248.